The following is an entry in ClinVar:

NM_001161352.2(KCNMA1):c.2890G>A (p.Ala964Thr)

Genes: KCNMA1 (potassium calcium-activated channel subfamily M alpha 1; minus strand), KCNMA1-AS1 (KCNMA1 antisense RNA 1; plus strand). Cytogenetic location: 10q22.3.
Variant type: single nucleotide variant.
Coding change: c.2890G>A on transcript NM_001161352.2 (MANE Select); coding-DNA position 2890, G replaced by A.
Protein change: p.Ala964Thr; replaces alanine 964 with threonine.
Molecular consequence: missense variant.
Genome position (GRCh38, 1-based): chr10:76,944,785, C>T on the plus strand (G>A on the coding strand, the complement: KCNMA1 is on the minus strand). VCF-style: chr10-76944785-C-T. GRCh37 (hg19) VCF-style: chr10-78704543-C-T.
Other names: c.2728G>A, p.Ala910Thr (NM_001014797.3, NM_001322835.2, NM_001322837.2); c.2839G>A, p.Ala947Thr (NM_001161353.2); c.2566G>A, p.Ala856Thr (NM_001271518.2); c.2725G>A, p.Ala909Thr (NM_001271519.2, NM_001322829.2, NM_001322836.2); c.2737G>A, p.Ala913Thr (NM_001322830.2); c.2716G>A, p.Ala906Thr (NM_001322832.2, NM_001410940.1, NM_002247.4); c.2263G>A, p.Ala755Thr (NM_001322838.2); short protein forms A755T, A856T, A906T, A909T, A910T, A913T, A947T, A964T.
Identifiers: ClinVar variation 3387769 (VCV003387769.16).

ClinVar aggregate classification (germline): Uncertain significance (1 of 4 stars; one submission).

Submission:

CeGaT Center for Human Genetics Tuebingen
Classification: Uncertain significance. Last evaluated: 2024-11-01. Review status: criteria provided, single submitter. Criteria: CeGaT Center For Human Genetics Tuebingen Variant Classification Criteria Version 2. Collection method: clinical testing. Allele origin: germline. Affected: yes. Observed: 1 variant allele.
Comment: KCNMA1: PM2, PP2